The following is an entry in ClinVar:

NM_033305.3(VPS13A):c.9190-1G>C

Gene: VPS13A (vacuolar protein sorting 13 homolog A; plus strand). Cytogenetic location: 9q21.2.
Variant type: single nucleotide variant.
Coding change: c.9190-1G>C on transcript NM_033305.3 (MANE Select); the canonical splice acceptor site of the intron before coding-DNA position 9190, G replaced by C.
Molecular consequence: splice acceptor variant.
Genome position (GRCh38, 1-based): chr9:77,403,235, G>C. VCF-style: chr9-77403235-G-C. GRCh37 (hg19) VCF-style: chr9-80018151-G-C.
Other names: c.9073-1G>C (NM_001018037.2).
Identifiers: ClinVar variation 4849303 (VCV004849303.1).
Genomic context (GRCh38, chr9:77,403,235, plus strand): 5'-GTTTGCATTACAGTAGGAAATACTATCAATTTTCTCATTGTCTCTCACTTTTTTCTTTTA[G>C]GTCATGGAAAATGGAAGATTTGCAAAATACAAATATTTTACCCATGTCATGATCAATAAG-3'

ClinVar aggregate classification (germline): Likely pathogenic (1 of 4 stars; one submission).

Conditions:
VPS13A-related neurodegenerative disease. Also called: LEVINE-CRITCHLEY SYNDROME; Choreaacanthocytosis; ACANTHOCYTOSIS WITH NEUROLOGIC DISORDER; Choreoacanthocytosis; Chorea-acanthocytosis; VPS13A Disease. Identifiers: Orphanet 2388, MedGen C0393576, MONDO:0008695, OMIM 200150.

Submission:

First Genomix Gene Laboratory, Genetic Diagnostics Department
Classification: Likely pathogenic for VPS13A-related neurodegenerative disease. Last evaluated: 2025-06-20. Review status: criteria provided, single submitter. Criteria: ACMG Guidelines, 2015. Collection method: clinical testing. Allele origin: germline. Inheritance: Autosomal recessive inheritance. Affected: no. Observed: 1 variant allele.